The following is an entry in ClinVar:

ClinVar aggregate classification (germline): Likely benign (1 of 4 stars; one submission).

Submission:

CeGaT Center for Human Genetics Tuebingen
Classification: Likely benign. Last evaluated: 2024-11-01. Review status: criteria provided, single submitter. Criteria: CeGaT Center For Human Genetics Tuebingen Variant Classification Criteria Version 2. Collection method: clinical testing. Allele origin: germline. Affected: yes. Observed: 1 variant allele.
Comment: LINGO1: PM2:Supporting, BP4, BP7

NM_032808.7(LINGO1):c.1182C>G (p.Pro394=)

Gene: LINGO1 (leucine rich repeat and Ig domain containing 1; minus strand). Cytogenetic location: 15q24.3.
Variant type: single nucleotide variant.
Coding change: c.1182C>G on transcript NM_032808.7 (MANE Select); coding-DNA position 1182, C replaced by G.
Protein change: p.Pro394=; no amino-acid change (proline 394 retained).
Molecular consequence: synonymous variant.
Genome position (GRCh38, 1-based): chr15:77,614,725, G>C on the plus strand (C>G on the coding strand, the complement: LINGO1 is on the minus strand). VCF-style: chr15-77614725-G-C. GRCh37 (hg19) VCF-style: chr15-77907067-G-C.
Other names: c.1164C>G, p.Pro388= (NM_001301186.2, NM_001301187.2, NM_001301189.2 and 8 more transcripts).
Identifiers: ClinVar variation 3390052 (VCV003390052.14).
Genomic context (GRCh38, chr15:77,614,725, plus strand): 5'-TAGCACATCAGGGAAGTCCTTGAACTCCTTGCCCTGGACAAACTCGGGCGTGGCGCACGT[G>C]GGCTGCTGCCGGTTGAAGTTGAGCCGCCAGCGGCGCCGGAACACCCACAGGAGCCGACAG-3'
Protein context (NP_116197.4, residues 384-404): RWRLNFNRQQ[Pro394=]TCATPEFVQG